The following is an entry in ClinVar:

ClinVar aggregate classification (germline): Uncertain significance (1 of 4 stars; one submission).

gnomAD v4.1: 4 of 1,613,840 alleles (0.00025%); highest among the groups gnomAD compares: African/African-American, 0.0053%; no homozygotes.

Submission:

GeneDx
Classification: Uncertain significance. Last evaluated: 2025-02-12. Review status: criteria provided, single submitter. Criteria: GeneDx Variant Classification Process June 2021. Collection method: clinical testing. Allele origin: germline. Affected: yes.
Comment: In silico analysis indicates that this missense variant does not alter protein structure/function; Has not been previously published as pathogenic or benign to our knowledge

NM_001039141.3(TRIOBP):c.2463G>C (p.Gln821His)

Gene: TRIOBP (TRIO and F-actin binding protein; plus strand). Cytogenetic location: 22q13.1.
Variant type: single nucleotide variant.
Coding change: c.2463G>C on transcript NM_001039141.3 (MANE Select); coding-DNA position 2463, G replaced by C.
Protein change: p.Gln821His; replaces glutamine 821 with histidine.
Molecular consequence: missense variant.
Genome position (GRCh38, 1-based): chr22:37,725,019, G>C. VCF-style: chr22-37725019-G-C. GRCh37 (hg19) VCF-style: chr22-38121026-G-C.
Other names: short protein forms Q821H.
Identifiers: ClinVar variation 4075481 (VCV004075481.1).